The following is an entry in ClinVar:

ClinVar aggregate classification (germline): Benign/Likely benign. Review status: criteria provided, multiple submitters, no conflicts (2 of 4 stars). 5 submissions from 5 submitters: Benign (3); Likely benign (1). 1 of the submissions does not count toward it. Last evaluated 2026-01-28.

Conditions:
PHF8-related disorder. Also called: PHF8-related condition.
Inborn genetic diseases. Identifiers: MedGen C0950123, MeSH D030342.

Submissions (5):

Labcorp Genetics (formerly Invitae), Labcorp
Classification: Benign. Last evaluated: 2026-01-28. Review status: criteria provided, single submitter. Criteria: Invitae Variant Classification Sherloc (09022015). Collection method: clinical testing. Allele origin: germline.

Genetic Services Laboratory, University of Chicago
Classification: Benign. Last evaluated: 2019-11-25. Review status: criteria provided, single submitter. Criteria: ACMG Guidelines, 2015. Collection method: clinical testing. Allele origin: germline. Affected: no.

Center for Pediatric Genomic Medicine, Children's Mercy Hospital and Clinics
Classification: Likely benign. Last evaluated: 2017-08-11. Review status: criteria provided, single submitter. Criteria: ACMG Guidelines, 2015. Collection method: clinical testing. Allele origin: germline.

Ambry Genetics
Classification: Benign for Inborn genetic diseases. Last evaluated: 2017-03-21. Review status: criteria provided, single submitter. Criteria: Ambry Variant Classification Scheme 2023. Collection method: clinical testing. Allele origin: germline.

PreventionGenetics, part of Exact Sciences
Classification: Benign for PHF8-related condition. Last evaluated: 2020-03-17. Review status: no assertion criteria provided. Collection method: clinical testing. Allele origin: germline. Not counted in ClinVar's aggregate classification.
Comment: This variant is classified as benign based on ACMG/AMP sequence variant interpretation guidelines (Richards et al. 2015 PMID: 25741868, with internal and published modifications).

NM_015107.3(PHF8):c.2790CTC[2] (p.Ser933del)

Gene: PHF8 (PHD finger protein 8; minus strand). Cytogenetic location: Xp11.22.
Variant type: Microsatellite.
Coding change: c.2790CTC[2] on transcript NM_015107.3 (MANE Select); two copies in a row of the 3-base unit CTC starting at c.2790; the reference has three copies in a row; one copy, 3 bases deleted.
Protein change: p.Ser933del; deletes serine 933.
Molecular consequence: inframe deletion.
Genome position (GRCh38, 1-based): chrX:53,940,368-53,940,370, GAG deleted on the plus strand (CTC on the coding strand, the reverse complement: PHF8 is on the minus strand); deleting any 3 consecutive bases within chrX:53,940,368-53,940,377 gives the same sequence; the position shown is the placement nearest the transcript's 3' end. VCF-style (leftmost placement, unchanged base first): chrX-53940367-TGAG-T. GRCh37 (hg19) VCF-style: chrX-53966800-TGAG-T.
Other names: c.2898CTC[2], p.Ser969del (NM_001184896.1); c.2487CTC[2], p.Ser832del (NM_001184897.2); c.2796_2798delCTC (NM_015107.2); short protein forms S933del, S969del, S832del.
Identifiers: ClinVar variation 445714 (VCV000445714.16), dbSNP rs782660284, ClinGen allele CA10423229.